The following is an entry in ClinVar:

ClinVar aggregate classification (germline): Uncertain significance. Review status: criteria provided, single submitter (1 of 4 stars). 2 submissions from 2 submitters: Uncertain significance (1). 1 of the submissions does not count toward it. Last evaluated 2023-08-04.

Conditions:
Epidermolysis bullosa simplex with nail dystrophy (EBS5D). Identifiers: MedGen C4225309, MONDO:0014661, OMIM 616487.
Epidermolysis bullosa simplex 5C, with pyloric atresia (EBS5C). Also called: PLEC-Related Epidermolysis Bullosa with Pyloric Atresia; Epidermolysis bullosa simplex with pyloric atresia; PLEC1-Related Epidermolysis Bullosa with Pyloric Atresia. Identifiers: Orphanet 158684, MedGen C2677349, MONDO:0012807, OMIM 612138.
Epidermolysis bullosa simplex 5B, with muscular dystrophy (EBS5B). Also called: Epidermolysis bullosa simplex with muscular dystrophy; EPIDERMOLYSIS BULLOSA SIMPLEX AND LIMB-GIRDLE MUSCULAR DYSTROPHY. Identifiers: Orphanet 257, MedGen C2931072, MONDO:0009181, OMIM 226670.
Epidermolysis bullosa simplex, Ogna type (EBS5A). Also called: Pidermolysis bullosa simplex 5A, Ogna type; EPIDERMOLYSIS BULLOSA SIMPLEX 5A, OGNA TYPE. Identifiers: Orphanet 79401, MedGen C0432317, MONDO:0007555, OMIM 131950.
Autosomal recessive limb-girdle muscular dystrophy type 2Q (LGMDR17). Also called: MUSCULAR DYSTROPHY, LIMB-GIRDLE, AUTOSOMAL RECESSIVE 17. Identifiers: Orphanet 254361, MedGen C3150989, MONDO:0013390, OMIM 613723.
PLEC-related disorder. Also called: PLEC-related condition; PLEC-related disorders.

Allele frequency attached by ClinVar (database versions not stated): TOPMed 0.00001; gnomAD 0.00003; gnomAD exomes 0.00003 and 0.00004; ExAC 0.00004.
gnomAD v4.1: 41 of 1,612,680 alleles (0.0025%); highest among the groups gnomAD compares: Middle Eastern, 0.016%; no homozygotes.

Submissions (2):

Labcorp Genetics (formerly Invitae), Labcorp
Classification: Uncertain significance for Autosomal recessive limb-girdle muscular dystrophy type 2Q; Epidermolysis bullosa simplex, Ogna type; Epidermolysis bullosa simplex with nail dystrophy; Epidermolysis bullosa simplex 5C, with pyloric atresia; Epidermolysis bullosa simplex 5B, with muscular dystrophy. Last evaluated: 2023-08-04. Review status: criteria provided, single submitter. Criteria: Invitae Variant Classification Sherloc (09022015). Collection method: clinical testing. Allele origin: germline.
Comment: This variant is present in population databases (rs568673535, gnomAD 0.02%). This sequence change replaces arginine, which is basic and polar, with cysteine, which is neutral and slightly polar, at codon 4224 of the PLEC protein (p.Arg4224Cys). This variant has not been reported in the literature in individuals affected with PLEC-related conditions. In summary, the available evidence is currently insufficient to determine the role of this variant in disease. Therefore, it has been classified as a Variant of Uncertain Significance. Advanced modeling of protein sequence and biophysical properties (such as structural, functional, and spatial information, amino acid conservation, physicochemical variation, residue mobility, and thermodynamic stability) has been performed at Invitae for this missense variant, however the output from this modeling did not meet the statistical confidence thresholds required to predict the impact of this variant on PLEC protein function. ClinVar contains an entry for this variant (Variation ID: 657272).

PreventionGenetics, part of Exact Sciences
Classification: Uncertain significance for PLEC-related condition. Last evaluated: 2024-03-09. Review status: no assertion criteria provided. Collection method: clinical testing. Allele origin: germline. Not counted in ClinVar's aggregate classification.
Comment: The PLEC c.12670C>T variant is predicted to result in the amino acid substitution p.Arg4224Cys. To our knowledge, this variant has not been reported in the literature. This variant is reported in 0.017% of alleles in individuals of African descent in gnomAD. At this time, the clinical significance of this variant is uncertain due to the absence of conclusive functional and genetic evidence.

NM_201384.3(PLEC):c.12589C>T (p.Arg4197Cys)

Gene: PLEC (plectin; minus strand). Cytogenetic location: 8q24.3.
Variant type: single nucleotide variant.
Coding change: c.12589C>T on transcript NM_201384.3 (MANE Select); coding-DNA position 12589, C replaced by T.
Protein change: p.Arg4197Cys; replaces arginine 4197 with cysteine.
Molecular consequence: missense variant.
Genome position (GRCh38, 1-based): chr8:143,917,232, G>A on the plus strand (C>T on the coding strand, the complement: PLEC is on the minus strand). VCF-style: chr8-143917232-G-A. GRCh37 (hg19) VCF-style: chr8-144991400-G-A.
Other names: c.12670C>T, p.Arg4224Cys (NM_000445.5); c.12547C>T, p.Arg4183Cys (NM_201378.4); c.12523C>T, p.Arg4175Cys (NM_201379.3); c.13000C>T, p.Arg4334Cys (NM_201380.4); c.12493C>T, p.Arg4165Cys (NM_201381.3); c.12589C>T, p.Arg4197Cys (NM_201382.4); c.12601C>T, p.Arg4201Cys (NM_201383.3); short protein forms R4165C, R4175C, R4197C, R4224C, R4334C, R4183C, R4201C.
Identifiers: ClinVar variation 657272 (VCV000657272.10), dbSNP rs568673535, ClinGen allele CA4924046.